The following is an entry in ClinVar:

NM_001349253.2(SCN11A):c.1043_1045dup (p.Ser348dup)

Gene: SCN11A (sodium voltage-gated channel alpha subunit 11; minus strand). Cytogenetic location: 3p22.2.
Variant type: Duplication.
Coding change: c.1043_1045dup on transcript NM_001349253.2 (MANE Select); coding-DNA positions 1043 to 1045, 3 bases duplicated (CTT; older notation c.1043_1045dupCTT).
Protein change: p.Ser348dup; duplicates serine 348.
Molecular consequence: inframe insertion.
Genome position (GRCh38, 1-based): chr3:38,910,122-38,910,124, AAG duplicated on the plus strand (CTT on the coding strand, the reverse complement: SCN11A is on the minus strand); duplicating any 3 consecutive bases within chr3:38,910,122-38,910,125 gives the same sequence; the c. name uses the placement nearest the transcript's 3' end. VCF-style (leftmost placement, unchanged base first): chr3-38910121-A-AAAG. GRCh37 (hg19) VCF-style: chr3-38951612-A-AAAG.
Other names: c.1043_1045dupCTT (NM_014139.2); c.1043_1045dup, p.Ser348dup (NM_014139.3).
Identifiers: ClinVar variation 474684 (VCV000474684.5), dbSNP rs1364760343, ClinGen allele CA542279326.
Genomic context (GRCh38, chr3:38,910,121, plus strand): 5'-ATAACCTGTTGATAAAGCTTCTCCCAGGAATCTTGGGTCATCAGCCGGAACATGGCAAGA[A>AAAG]AAGACCAGCCAAAGTTGTCAAAATTCGTATAATTATAGTCAGGATTAATTTTGGTGTGCT-3'

ClinVar aggregate classification (germline): Uncertain significance (1 of 4 stars; one submission).

Conditions:
Hereditary sensory and autonomic neuropathy type 7. Also called: Neuropathy, hereditary sensory and autonomic, type VII; HSAN VII. Identifiers: Orphanet 391397, MedGen C3809882, MONDO:0014244, OMIM 615548.
Familial episodic pain syndrome with predominantly lower limb involvement. Also called: Episodic pain syndrome, familial, 3. Identifiers: Orphanet 391384, Orphanet 391392, MedGen C3809899, MONDO:0014247, OMIM 615552.

Submission:

Labcorp Genetics (formerly Invitae), Labcorp
Classification: Uncertain significance for Familial episodic pain syndrome with predominantly lower limb involvement; Hereditary sensory and autonomic neuropathy type 7. Last evaluated: 2017-07-19. Review status: criteria provided, single submitter. Criteria: Invitae Variant Classification Sherloc (09022015). Collection method: clinical testing. Allele origin: germline.
Comment: This variant, c.1043_1045dupCTT, results in the insertion of 1 amino acid to the SCN11A protein (p.Ser348dup), but otherwise preserves the integrity of the reading frame. In summary, the available evidence is currently insufficient to determine the role of this variant in disease. Therefore, it has been classified as a Variant of Uncertain Significance. Experimental studies and prediction algorithms are not available for this variant, and the functional significance of the deleted amino acid is currently unknown. This variant has not been reported in the literature in individuals with SCN11A-related disease. This variant is not present in population databases (ExAC no frequency).